The following is an entry in ClinVar:

ClinVar aggregate classification (germline): Conflicting classifications of pathogenicity. Review status: criteria provided, conflicting classifications (1 of 4 stars). 2 submissions from 2 submitters: Uncertain significance (1); Likely benign (1). Last evaluated 2025-09-24.

Conditions:
Hereditary cancer-predisposing syndrome. Also called: Tumor predisposition; Hereditary Cancer Syndrome; Neoplastic Syndromes, Hereditary; Hereditary neoplastic syndrome. Identifiers: Orphanet 140162, MedGen C0027672, MeSH D009386, MONDO:0015356.

Allele frequency attached by ClinVar (database versions not stated): gnomAD exomes below 0.00001.

Submissions (2):

Ambry Genetics
Classification: Likely benign for Hereditary cancer-predisposing syndrome. Last evaluated: 2025-09-24. Review status: criteria provided, single submitter. Criteria: Ambry Variant Classification Scheme 2023. Collection method: clinical testing. Allele origin: germline.

Labcorp Genetics (formerly Invitae), Labcorp
Classification: Uncertain significance. Last evaluated: 2023-02-10. Review status: criteria provided, single submitter. Criteria: Invitae Variant Classification Sherloc (09022015). Collection method: clinical testing. Allele origin: germline.
Comment: This sequence change replaces serine, which is neutral and polar, with proline, which is neutral and non-polar, at codon 1931 of the POLE protein (p.Ser1931Pro). This variant is not present in population databases (gnomAD no frequency). This variant has not been reported in the literature in individuals affected with POLE-related conditions. Advanced modeling of protein sequence and biophysical properties (such as structural, functional, and spatial information, amino acid conservation, physicochemical variation, residue mobility, and thermodynamic stability) performed at Invitae indicates that this missense variant is not expected to disrupt POLE protein function. In summary, the available evidence is currently insufficient to determine the role of this variant in disease. Therefore, it has been classified as a Variant of Uncertain Significance.

NM_006231.4(POLE):c.5791T>C (p.Ser1931Pro)

Gene: POLE (DNA polymerase epsilon, catalytic subunit; minus strand). Cytogenetic location: 12q24.33.
Variant type: single nucleotide variant.
Coding change: c.5791T>C on transcript NM_006231.4 (MANE Select); coding-DNA position 5791, T replaced by C.
Protein change: p.Ser1931Pro; replaces serine 1931 with proline.
Molecular consequence: missense variant.
Genome position (GRCh38, 1-based): chr12:132,635,912, A>G on the plus strand (T>C on the coding strand, the complement: POLE is on the minus strand). VCF-style: chr12-132635912-A-G. GRCh37 (hg19) VCF-style: chr12-133212498-A-G.
Other names: c.5791T>C (NM_006231.2); short protein forms S1931P.
Identifiers: ClinVar variation 2416675 (VCV002416675.8), dbSNP rs2138484952, ClinGen allele CA387372761.